The following is an entry in ClinVar:

ClinVar aggregate classification (germline): Uncertain significance (1 of 4 stars; one submission).

Conditions:
Dyskeratosis congenita, autosomal dominant 2. Identifiers: MedGen C3151443, MONDO:0013521, OMIM 613989.
Idiopathic Pulmonary Fibrosis. Also called: Idiopathic fibrosing alveolitis, chronic form; idiopathic fibrosing alveolitis. Identifiers: Orphanet 2032, MedGen C1800706, MeSH D054990, MONDO:0800504.

Submission:

Labcorp Genetics (formerly Invitae), Labcorp
Classification: Uncertain significance for Dyskeratosis congenita, autosomal dominant 2; Idiopathic Pulmonary Fibrosis. Last evaluated: 2017-07-20. Review status: criteria provided, single submitter. Criteria: Invitae Variant Classification Sherloc (09022015). Collection method: clinical testing. Allele origin: germline.
Comment: This sequence change replaces glutamic acid with lysine at codon 611 of the TERT protein (p.Glu611Lys). The glutamic acid residue is weakly conserved and there is a small physicochemical difference between glutamic acid and lysine. This variant is not present in population databases (ExAC no frequency). This variant has not been reported in the literature in individuals with TERT-related disease. Algorithms developed to predict the effect of missense changes on protein structure and function output the following: SIFT: "Tolerated"; PolyPhen-2: "Benign"; Align-GVGD: "Class C0". The lysine amino acid residue is found in multiple mammalian species, suggesting that this missense change does not adversely affect protein function. These predictions have not been confirmed by published functional studies and their clinical significance is uncertain. In summary, the available evidence is currently insufficient to determine the role of this variant in disease. Therefore, it has been classified as a Variant of Uncertain Significance.

NM_198253.3(TERT):c.1831G>A (p.Glu611Lys)

Gene: TERT (telomerase reverse transcriptase; minus strand). Cytogenetic location: 5p15.33.
Variant type: single nucleotide variant.
Coding change: c.1831G>A on transcript NM_198253.3 (MANE Select); coding-DNA position 1831, G replaced by A.
Protein change: p.Glu611Lys; replaces glutamic acid 611 with lysine.
Molecular consequence: missense variant. On other transcripts: non-coding transcript variant (2).
Genome position (GRCh38, 1-based): chr5:1,280,277, C>T on the plus strand (G>A on the coding strand, the complement: TERT is on the minus strand). VCF-style: chr5-1280277-C-T. GRCh37 (hg19) VCF-style: chr5-1280392-C-T.
Other names: c.1831G>A, p.Glu611Lys (NM_001193376.3); short protein forms E611K.
Identifiers: ClinVar variation 471833 (VCV000471833.9), dbSNP rs1554041095, ClinGen allele CA359081872.